The following is an entry in ClinVar:

ClinVar aggregate classification (germline): Conflicting classifications of pathogenicity. Review status: criteria provided, conflicting classifications (1 of 4 stars). 2 submissions from 2 submitters: Uncertain significance (1); Likely benign (1). Last evaluated 2024-05-02.

Conditions:
Hypertrophic cardiomyopathy. Also called: HYPERTROPHIC MYOCARDIOPATHY. Identifiers: Orphanet 217569, MedGen C0007194, MeSH D002312, MONDO:0005045, HP:0001639.
Cardiomyopathy (CMYO). Also called: Cardiomyopathies. Identifiers: Orphanet 167848, MedGen C0878544, MONDO:0004994, HP:0001638. Inheritance: Various modes of inheritance.

Allele frequency attached by ClinVar (database versions not stated): gnomAD 0.00001.

Submissions (2):

Labcorp Genetics (formerly Invitae), Labcorp
Classification: Likely benign for Hypertrophic cardiomyopathy. Last evaluated: 2024-05-02. Review status: criteria provided, single submitter. Criteria: Invitae Variant Classification Sherloc (09022015). Collection method: clinical testing. Allele origin: germline.

Color Diagnostics, LLC DBA Color Health
Classification: Uncertain significance for Cardiomyopathy. Last evaluated: 2020-09-08. Review status: criteria provided, single submitter. Criteria: ACMG Guidelines, 2015. Collection method: clinical testing. Allele origin: germline.
Comment: This variant causes a insertion of 1 nucleotide in intron 26 of the MYH7 gene. To our knowledge, functional studies have not been reported for this variant. This variant has not been reported in individuals affected with cardiovascular disorders in the literature. This variant has not been identified in the general population by the Genome Aggregation Database (gnomAD). The available evidence is insufficient to determine the role of this variant in disease conclusively. Therefore, this variant is classified as a Variant of Uncertain Significance.

NM_000257.4(MYH7):c.3337-5_3337-4insT

Gene: MYH7 (myosin heavy chain 7; minus strand). Cytogenetic location: 14q11.2.
Variant type: Insertion.
Coding change: c.3337-5_3337-4insT on transcript NM_000257.4 (MANE Select); 5 bases into the intron before coding-DNA position 3337 through 4 bases into the intron before coding-DNA position 3337, T inserted.
Molecular consequence: intron variant.
Genome position: GRCh38 VCF-style: chr14-23420238-G-GA. GRCh37 (hg19) VCF-style: chr14-23889447-G-GA.
Identifiers: ClinVar variation 1171914 (VCV001171914.5), dbSNP rs779144252, ClinGen allele CA037050.
Genomic context (GRCh38, chr14:23,420,238, plus strand): 5'-CTTAGCCCTGGCGGTGCGCTCGGCCTCCAGCTCCTCCTCCAGCTCCTCGATGCGTGCCTG[G>GA]TCAGACACAAAGGGCTCAGACCCACCGCCTGGACCCCTCCACTGGAATCCCCCCGGCTCT-3'